The following is an entry in ClinVar:

NM_000264.5(PTCH1):c.2968G>A (p.Ala990Thr)

Gene: PTCH1 (patched 1; minus strand). Cytogenetic location: 9q22.32.
Variant type: single nucleotide variant.
Coding change: c.2968G>A on transcript NM_000264.5 (MANE Select); coding-DNA position 2968, G replaced by A.
Protein change: p.Ala990Thr; replaces alanine 990 with threonine.
Molecular consequence: missense variant. On other transcripts: non-coding transcript variant (1).
Genome position (GRCh38, 1-based): chr9:95,458,213, C>T on the plus strand (G>A on the coding strand, the complement: PTCH1 is on the minus strand). VCF-style: chr9-95458213-C-T. GRCh37 (hg19) VCF-style: chr9-98220495-C-T.
Other names: c.2770G>A, p.Ala924Thr (NM_001083602.3); c.2965G>A, p.Ala989Thr (NM_001083603.3); c.2515G>A, p.Ala839Thr (NM_001083604.3, NM_001083605.3, NM_001083606.3 and 1 more transcripts); c.2812G>A, p.Ala938Thr (NM_001354918.2); short protein forms A924T, A938T, A989T, A839T, A990T.
Identifiers: ClinVar variation 1798242 (VCV001798242.2), dbSNP rs1235316882, ClinGen allele CA374112677.

ClinVar aggregate classification (germline): Uncertain significance (1 of 4 stars; one submission).

Conditions:
Hereditary cancer-predisposing syndrome. Also called: Neoplastic Syndromes, Hereditary; Tumor predisposition; Hereditary Cancer Syndrome; Hereditary neoplastic syndrome. Identifiers: Orphanet 140162, MedGen C0027672, MeSH D009386, MONDO:0015356.

gnomAD v4.1: 1 of 1,614,136 alleles (0.000062%); highest among the groups gnomAD compares: Non-Finnish European, 0.000085%; no homozygotes.

Submission:

Ambry Genetics
Classification: Uncertain significance for Hereditary cancer-predisposing syndrome. Last evaluated: 2022-09-11. Review status: criteria provided, single submitter. Criteria: Ambry Variant Classification Scheme 2023. Collection method: clinical testing. Allele origin: germline.
Comment: The p.A990T variant (also known as c.2968G>A), located in coding exon 18 of the PTCH1 gene, results from a G to A substitution at nucleotide position 2968. The alanine at codon 990 is replaced by threonine, an amino acid with similar properties. This amino acid position is conserved. In addition, this alteration is predicted to be deleterious by in silico analysis. Since supporting evidence is limited at this time, the clinical significance of this alteration remains unclear.